The following is an entry in ClinVar:

NM_024675.4(PALB2):c.2641G>T (p.Gly881Cys)

Gene: PALB2 (partner and localizer of BRCA2; minus strand). Cytogenetic location: 16p12.2.
Variant type: single nucleotide variant.
Coding change: c.2641G>T on transcript NM_024675.4 (MANE Select); coding-DNA position 2641, G replaced by T.
Protein change: p.Gly881Cys; replaces glycine 881 with cysteine.
Molecular consequence: missense variant. On other transcripts: intron variant (3).
Genome position (GRCh38, 1-based): chr16:23,626,343, C>A on the plus strand (G>T on the coding strand, the complement: PALB2 is on the minus strand). VCF-style: chr16-23626343-C-A. GRCh37 (hg19) VCF-style: chr16-23637664-C-A.
Other names: c.2581G>T, p.Gly861Cys (NM_001407296.1); c.2569G>T, p.Gly857Cys (NM_001407297.1); c.2641G>T, p.Gly881Cys (NM_001407299.1, NM_001407300.1, NM_001407301.1); c.1756G>T, p.Gly586Cys (NM_001407304.1, NM_001407305.1, NM_001407306.1 and 4 more transcripts); c.853G>T, p.Gly285Cys (NM_001407312.1, NM_001407313.1); c.175G>T, p.Gly59Cys (NM_001407314.1); c.2587-2249G>T (NM_001407302.1, NM_001407298.1); c.1702-2249G>T (NM_001407307.1); short protein forms G857C, G586C, G59C, G861C, G881C, G285C.
Identifiers: ClinVar variation 3413442 (VCV003413442.1).

ClinVar aggregate classification (germline): Uncertain significance (1 of 4 stars; one submission).

Conditions:
Hereditary cancer-predisposing syndrome. Also called: Neoplastic Syndromes, Hereditary; Tumor predisposition; Hereditary Cancer Syndrome; Hereditary neoplastic syndrome. Identifiers: Orphanet 140162, MedGen C0027672, MeSH D009386, MONDO:0015356.

Submission:

Ambry Genetics
Classification: Uncertain significance for Hereditary cancer-predisposing syndrome. Last evaluated: 2024-08-08. Review status: criteria provided, single submitter. Criteria: Ambry Variant Classification Scheme 2023. Collection method: clinical testing. Allele origin: germline.
Comment: The p.G881C variant (also known as c.2641G>T), located in coding exon 7 of the PALB2 gene, results from a G to T substitution at nucleotide position 2641. The glycine at codon 881 is replaced by cysteine, an amino acid with highly dissimilar properties. This amino acid position is highly conserved in available vertebrate species. In addition, the in silico prediction for this alteration is inconclusive. Based on the available evidence, the clinical significance of this variant remains unclear.